The following is an entry in ClinVar:

ClinVar aggregate classification (germline): Likely benign (1 of 4 stars; one submission).

Allele frequency attached by ClinVar (database versions not stated): TOPMed below 0.00001.
gnomAD v4.1: 60 of 1,548,506 alleles (0.0039%); highest among the groups gnomAD compares: Middle Eastern, 0.041%; no homozygotes.

Submission:

CeGaT Center for Human Genetics Tuebingen
Classification: Likely benign. Last evaluated: 2023-03-01. Review status: criteria provided, single submitter. Criteria: CeGaT Center For Human Genetics Tuebingen Variant Classification Criteria Version 2. Collection method: clinical testing. Allele origin: germline. Affected: yes. Observed: 1 variant allele.
Comment: ARHGAP23: BP4, BP7

NM_001199417.2(ARHGAP23):c.2406G>C (p.Ala802=)

Gene: ARHGAP23 (Rho GTPase activating protein 23; plus strand). Cytogenetic location: 17q12.
Variant type: single nucleotide variant.
Coding change: c.2406G>C on transcript NM_001199417.2 (MANE Select); coding-DNA position 2406, G replaced by C.
Protein change: p.Ala802=; no amino-acid change (alanine 802 retained).
Molecular consequence: synonymous variant.
Genome position (GRCh38, 1-based): chr17:38,477,866, G>C. VCF-style: chr17-38477866-G-C. GRCh37 (hg19) VCF-style: chr17-36634107-G-C.
Identifiers: ClinVar variation 2647700 (VCV002647700.24), dbSNP rs913978137, ClinGen allele CA290308384.